The following is an entry in ClinVar:

ClinVar aggregate classification (germline): Uncertain significance (1 of 4 stars; one submission).

Conditions:
Familial hemiplegic migraine. Identifiers: MedGen C0338484, MONDO:0000700.

Submission:

Labcorp Genetics (formerly Invitae), Labcorp
Classification: Uncertain significance for Familial hemiplegic migraine. Last evaluated: 2023-11-15. Review status: criteria provided, single submitter. Criteria: Invitae Variant Classification Sherloc (09022015). Collection method: clinical testing. Allele origin: germline.
Comment: This sequence change replaces proline, which is neutral and non-polar, with threonine, which is neutral and polar, at codon 692 of the ATP1A2 protein (p.Pro692Thr). This variant is not present in population databases (gnomAD no frequency). This variant has not been reported in the literature in individuals affected with ATP1A2-related conditions. Advanced modeling of protein sequence and biophysical properties (such as structural, functional, and spatial information, amino acid conservation, physicochemical variation, residue mobility, and thermodynamic stability) performed at Invitae indicates that this missense variant is expected to disrupt ATP1A2 protein function with a positive predictive value of 80%. In summary, the available evidence is currently insufficient to determine the role of this variant in disease. Therefore, it has been classified as a Variant of Uncertain Significance.

NM_000702.4(ATP1A2):c.2074C>A (p.Pro692Thr)

Gene: ATP1A2 (ATPase Na+/K+ transporting subunit alpha 2; plus strand). Cytogenetic location: 1q23.2.
Variant type: single nucleotide variant.
Coding change: c.2074C>A on transcript NM_000702.4 (MANE Select); coding-DNA position 2074, C replaced by A.
Protein change: p.Pro692Thr; replaces proline 692 with threonine.
Molecular consequence: missense variant.
Genome position (GRCh38, 1-based): chr1:160,135,254, C>A. VCF-style: chr1-160135254-C-A. GRCh37 (hg19) VCF-style: chr1-160105044-C-A.
Other names: short protein forms P692T.
Identifiers: ClinVar variation 3019307 (VCV003019307.3), dbSNP rs2524886294, ClinGen allele CA343248683.
Genomic context (GRCh38, chr1:160,135,254, plus strand): 5'-TCGGAGCAGCTCGATGAGATCCTCAAGAACCACACAGAGATCGTCTTTGCTCGAACGTCT[C>A]CCCAGCAGAAGCTCATCATTGTGGAGGGATGTCAGAGGCAGGTGAGCACAGCCACGGGAG-3'
Protein context (NP_000693.1, residues 682-702): HTEIVFARTS[Pro692Thr]QQKLIIVEGC